The following is an entry in ClinVar:

ClinVar aggregate classification (germline): Pathogenic (1 of 4 stars; one submission).

Conditions:
Cornelia de Lange syndrome 1 (CDLS1). Also called: Brachmann de Lange syndrome; TYPUS DEGENERATIVUS AMSTELODAMENSIS; NIPBL-Related Cornelia de Lange Syndrome. Identifiers: Orphanet 199, MedGen C4551851, MONDO:0007387, OMIM 122470.

Submission:

Labcorp Genetics (formerly Invitae), Labcorp
Classification: Pathogenic for Cornelia de Lange syndrome 1. Last evaluated: 2021-08-09. Review status: criteria provided, single submitter. Criteria: Invitae Variant Classification Sherloc (09022015). Collection method: clinical testing. Allele origin: germline.
Comment: For these reasons, this variant has been classified as Pathogenic. This variant has not been reported in the literature in individuals affected with NIPBL-related conditions. This variant is not present in population databases (ExAC no frequency). This sequence change creates a premature translational stop signal (p.Gln2028Hisfs*8) in the NIPBL gene. It is expected to result in an absent or disrupted protein product. Loss-of-function variants in NIPBL are known to be pathogenic (PMID: 15318302, 19763162, 23505322, 29995837).

Literature cited by the submitters: PubMed 15318302; PubMed 19763162; PubMed 23505322; PubMed 29995837.

NM_133433.4(NIPBL):c.6080_6083dup (p.Gln2028fs)

Gene: NIPBL (NIPBL cohesin loading factor; plus strand). Cytogenetic location: 5p13.2.
Variant type: Duplication.
Coding change: c.6080_6083dup on transcript NM_133433.4 (MANE Select); coding-DNA positions 6080 to 6083, 4 bases duplicated (TGCA; older notation c.6080_6083dupTGCA).
Protein change: p.Gln2028fs; shifts the reading frame from glutamine 2028.
Molecular consequence: frameshift variant.
Genome position (GRCh38, 1-based): chr5:37,038,710-37,038,713, TGCA duplicated; duplicating any 4 consecutive bases within chr5:37,038,709-37,038,713 gives the same sequence; the c. name uses the placement nearest the transcript's 3' end. VCF-style (leftmost placement, unchanged base first): chr5-37038708-T-TATGC. GRCh37 (hg19) VCF-style: chr5-37038810-T-TATGC.
Other names: c.6080_6083dup, p.Gln2028fs (NM_015384.5); short protein forms Q2028fs.
Identifiers: ClinVar variation 1399376 (VCV001399376.6), dbSNP rs2149721484, ClinGen allele CA2573139686.